The following is an entry in ClinVar:

NM_005732.4(RAD50):c.2891A>T (p.Tyr964Phe)

Gene: RAD50 (RAD50 double strand break repair protein; plus strand). Cytogenetic location: 5q31.1.
Variant type: single nucleotide variant.
Coding change: c.2891A>T on transcript NM_005732.4 (MANE Select); coding-DNA position 2891, A replaced by T.
Protein change: p.Tyr964Phe; replaces tyrosine 964 with phenylalanine.
Molecular consequence: missense variant.
Genome position (GRCh38, 1-based): chr5:132,609,178, A>T. VCF-style: chr5-132609178-A-T. GRCh37 (hg19) VCF-style: chr5-131944870-A-T.
Other names: short protein forms Y964F.
Identifiers: ClinVar variation 186771 (VCV000186771.18), dbSNP rs377466333, ClinGen allele CA195824.

ClinVar aggregate classification (germline): Uncertain significance. Review status: criteria provided, multiple submitters, no conflicts (2 of 4 stars). 3 submissions from 3 submitters: Uncertain significance (3). Last evaluated 2025-11-17.

Conditions:
Hereditary cancer-predisposing syndrome. Also called: Neoplastic Syndromes, Hereditary; Tumor predisposition; Hereditary Cancer Syndrome; Hereditary neoplastic syndrome. Identifiers: Orphanet 140162, MedGen C0027672, MeSH D009386, MONDO:0015356.
Nijmegen breakage syndrome-like disorder (NBSLD). Also called: MICROCEPHALY AND SPONTANEOUS CHROMOSOME INSTABILITY WITHOUT IMMUNODEFICIENCY; NBS-LIKE DISORDER; RAD50 DEFICIENCY. Identifiers: Orphanet 240760, MedGen C2751318, MONDO:0013118, OMIM 613078.

Allele frequency attached by ClinVar (database versions not stated): ExAC 0.00001; gnomAD 0.00003; TOPMed 0.00004; ESP Exome Variant Server 0.00016.
gnomAD v4.1: 27 of 1,611,850 alleles (0.0017%); highest among the groups gnomAD compares: Non-Finnish European, 0.0023%; no homozygotes.

Submissions (3):

Labcorp Genetics (formerly Invitae), Labcorp
Classification: Uncertain significance for Hereditary cancer-predisposing syndrome. Last evaluated: 2025-11-17. Review status: criteria provided, single submitter. Criteria: Invitae Variant Classification Sherloc (09022015). Collection method: clinical testing. Allele origin: germline.
Comment: This sequence change replaces tyrosine, which is neutral and polar, with phenylalanine, which is neutral and non-polar, at codon 964 of the RAD50 protein (p.Tyr964Phe). This variant is present in population databases (rs377466333, gnomAD 0.006%). This variant has not been reported in the literature in individuals affected with RAD50-related conditions. ClinVar contains an entry for this variant (Variation ID: 186771). Invitae Evidence Modeling of protein sequence and biophysical properties (such as structural, functional, and spatial information, amino acid conservation, physicochemical variation, residue mobility, and thermodynamic stability) indicates that this missense variant is not expected to disrupt RAD50 protein function with a negative predictive value of 80%. In summary, the available evidence is currently insufficient to determine the role of this variant in disease. Therefore, it has been classified as a Variant of Uncertain Significance.

Ambry Genetics
Classification: Uncertain significance for Hereditary cancer-predisposing syndrome. Last evaluated: 2025-10-10. Review status: criteria provided, single submitter. Criteria: Ambry Variant Classification Scheme 2023. Collection method: clinical testing. Allele origin: germline.
Comment: The p.Y964F variant (also known as c.2891A>T), located in coding exon 18 of the RAD50 gene, results from an A to T substitution at nucleotide position 2891. The tyrosine at codon 964 is replaced by phenylalanine, an amino acid with highly similar properties. This amino acid position is highly conserved in available vertebrate species. In addition, the in silico prediction for this alteration is inconclusive. Since supporting evidence is limited at this time, the clinical significance of this alteration remains unclear.

Quest Diagnostics Nichols Institute San Juan Capistrano
Classification: Uncertain significance. Last evaluated: 2023-08-28. Review status: criteria provided, single submitter. Criteria: Quest Diagnostics criteria. Collection method: clinical testing. Allele origin: unknown.
Comment: In a breast cancer association study, this variant was observed in several individuals with breast cancer as well as in several unaffected controls (PMID: 33471991 (2021), see also LOVD). The frequency of this variant in the general population, 0.000055 (7/127996 chromosomes (Genome Aggregation Database)), is uninformative in the assessment of its pathogenicity. Analysis of this variant using bioinformatics tools for the prediction of the effect of amino acid changes on protein structure and function yielded conflicting predictions that this variant is benign or damaging. Based on the available information, we are unable to determine the clinical significance of this variant.

Literature cited by the submitters: PubMed 33471991 (cited by Quest Diagnostics Nichols Institute San Juan Capistrano).